The following is an entry in ClinVar:

ClinVar aggregate classification (germline): Uncertain significance (1 of 4 stars; one submission).

Allele frequency attached by ClinVar (database versions not stated): gnomAD exomes below 0.00001; gnomAD 0.00001; TOPMed 0.00001; ExAC 0.00002.
gnomAD v4.1: 6 of 1,614,052 alleles (0.00037%); highest among the groups gnomAD compares: South Asian, 0.0022%; no homozygotes.

Submission:

Women's Health and Genetics/Laboratory Corporation of America, LabCorp
Classification: Uncertain significance. Last evaluated: 2022-11-04. Review status: criteria provided, single submitter. Criteria: LabCorp Variant Classification Summary - May 2015. Collection method: clinical testing. Allele origin: germline.
Comment: Variant summary: JMJD2B (aka. KDM4B) c.86A>G (p.Asn29Ser) results in a conservative amino acid change in the encoded protein sequence. Five of five in-silico tools predict a benign effect of the variant on protein function. The variant allele was found at a frequency of 8e-06 in 251434 control chromosomes (gnomAD). The available data on variant occurrences in the general population are insufficient to allow any conclusion about variant significance. To our knowledge, no occurrence of c.86A>G in individuals affected with Intellectual Developmental Disorder, Autosomal Dominant 65 and no experimental evidence demonstrating its impact on protein function have been reported. No clinical diagnostic laboratories have submitted clinical-significance assessments for this variant to ClinVar after 2014. Based on the evidence outlined above, the variant was classified as uncertain significance.

NM_015015.3(KDM4B):c.86A>G (p.Asn29Ser)

Gene: KDM4B (lysine demethylase 4B; plus strand). Cytogenetic location: 19p13.3.
Variant type: single nucleotide variant.
Coding change: c.86A>G on transcript NM_015015.3 (MANE Select); coding-DNA position 86, A replaced by G.
Protein change: p.Asn29Ser; replaces asparagine 29 with serine.
Molecular consequence: missense variant.
Genome position (GRCh38, 1-based): chr19:5,032,976, A>G. VCF-style: chr19-5032976-A-G. GRCh37 (hg19) VCF-style: chr19-5032987-A-G.
Other names: c.86A>G, p.Asn29Ser (NM_001370093.1, NM_001370094.1, NM_001411148.1); short protein forms N29S.
Identifiers: ClinVar variation 1804800 (VCV001804800.1), dbSNP rs11667206, ClinGen allele CA9107223.